The following is an entry in ClinVar:

ClinVar aggregate classification (germline): Uncertain significance (1 of 4 stars; one submission).

gnomAD v4.1: 40 of 1,596,826 alleles (0.0025%); highest among the groups gnomAD compares: South Asian, 0.043%; 2 homozygotes.

Submission:

Ambry Genetics
Classification: Uncertain significance. Last evaluated: 2025-11-07. Review status: criteria provided, single submitter. Criteria: Ambry Variant Classification Scheme 2023. Collection method: clinical testing. Allele origin: germline.
Comment: The c.1030A>T (p.M344L) alteration is located in exon 8 (coding exon 8) of the CD44 gene. This alteration results from a A to T substitution at nucleotide position 1030, causing the methionine (M) at amino acid position 344 to be replaced by a leucine (L). Based on data from gnomAD, the T allele has an overall frequency of 0.004% (9/251200) total alleles studied. The highest observed frequency was 0.029% (9/30614) of South Asian alleles. Based on insufficient or conflicting evidence, the clinical significance of this alteration remains unclear.

NM_000610.4(CD44):c.1030A>T (p.Met344Leu)

Gene: CD44 (CD44 molecule (IN blood group); plus strand). Cytogenetic location: 11p13.
Variant type: single nucleotide variant.
Coding change: c.1030A>T on transcript NM_000610.4 (MANE Select); coding-DNA position 1030, A replaced by T.
Protein change: p.Met344Leu; replaces methionine 344 with leucine.
Molecular consequence: missense variant. On other transcripts: intron variant (17), 3 prime UTR variant (1).
Genome position (GRCh38, 1-based): chr11:35,201,189, A>T. VCF-style: chr11-35201189-A-T. GRCh37 (hg19) VCF-style: chr11-35222736-A-T.
Other names: c.668-3323A>T (NM_001440341.1, NM_001440347.1, NM_001440342.1 and 2 more transcripts); c.668-4923A>T (NM_001440344.1); c.668-6916A>T (NM_001001390.2, NM_001440350.1); c.668-10057A>T (NM_001202555.2); c.667+11124A>T (NM_001001391.2, NM_001202556.2, NM_001202557.2); c.234-20516A>T (NM_001001392.2); c.901A>T, p.Met301Leu (NM_001440328.1, NM_001440333.1, NM_001440337.1 and 6 more transcripts); c.889A>T, p.Met297Leu (NM_001440329.1); and 10 more; short protein forms M278L, M301L, M270L, M344L, M293L, M259L, M297L, M313L.
Identifiers: ClinVar variation 4650635 (VCV004650635.1).